The following is an entry in ClinVar:

ClinVar aggregate classification (germline): Uncertain significance (1 of 4 stars; one submission).

Submission:

Labcorp Genetics (formerly Invitae), Labcorp
Classification: Uncertain significance. Last evaluated: 2026-02-01. Review status: criteria provided, single submitter. Criteria: Invitae Variant Classification Sherloc (09022015). Collection method: clinical testing. Allele origin: germline.
Comment: This sequence change replaces glutamic acid, which is acidic and polar, with aspartic acid, which is acidic and polar, at codon 288 of the NFKB1 protein (p.Glu288Asp). This variant is not present in population databases (gnomAD no frequency). This variant has not been reported in the literature in individuals affected with NFKB1-related conditions. ClinVar contains an entry for this variant (Variation ID: 3691545). An algorithm developed to predict the effect of missense changes on protein structure and function (PolyPhen-2) suggests that this variant is likely to be tolerated. In summary, the available evidence is currently insufficient to determine the role of this variant in disease. Therefore, it has been classified as a Variant of Uncertain Significance.

NM_003998.4(NFKB1):c.864G>C (p.Glu288Asp)

Gene: NFKB1 (nuclear factor kappa B subunit 1; plus strand). Cytogenetic location: 4q24.
Variant type: single nucleotide variant.
Coding change: c.864G>C on transcript NM_003998.4 (MANE Select); coding-DNA position 864, G replaced by C.
Protein change: p.Glu288Asp; replaces glutamic acid 288 with aspartic acid.
Molecular consequence: missense variant.
Genome position (GRCh38, 1-based): chr4:102,582,894, G>C. VCF-style: chr4-102582894-G-C. GRCh37 (hg19) VCF-style: chr4-103504051-G-C.
Other names: c.861G>C, p.Glu287Asp (NM_001165412.2, NM_001319226.2, NM_001382627.1); c.864G>C, p.Glu288Asp (NM_001382625.1, NM_001382626.1); c.822G>C, p.Glu274Asp (NM_001382628.1); short protein forms E287D, E288D, E274D.
Identifiers: ClinVar variation 3691545 (VCV003691545.2).